The following is an entry in ClinVar:

ClinVar aggregate classification (germline): Uncertain significance (1 of 4 stars; one submission).

Allele frequency attached by ClinVar (database versions not stated): gnomAD exomes below 0.00001; ExAC 0.00001; gnomAD 0.00001; TOPMed 0.00001.
gnomAD v4.1: 2 of 1,612,956 alleles (0.00012%); highest among the groups gnomAD compares: African/African-American, 0.0013%; no homozygotes.

Submission:

Labcorp Genetics (formerly Invitae), Labcorp
Classification: Uncertain significance. Last evaluated: 2021-12-03. Review status: criteria provided, single submitter. Criteria: Invitae Variant Classification Sherloc (09022015). Collection method: clinical testing. Allele origin: germline.
Comment: This sequence change replaces phenylalanine, which is neutral and non-polar, with serine, which is neutral and polar, at codon 379 of the UNC45A protein (p.Phe379Ser). This variant is present in population databases (rs761302619, gnomAD 0.007%). This variant has not been reported in the literature in individuals affected with UNC45A-related conditions. Algorithms developed to predict the effect of missense changes on protein structure and function are either unavailable or do not agree on the potential impact of this missense change (SIFT: "Not Available"; PolyPhen-2: "Possibly Damaging"; Align-GVGD: "Not Available"). In summary, the available evidence is currently insufficient to determine the role of this variant in disease. Therefore, it has been classified as a Variant of Uncertain Significance.

NM_018671.5(UNC45A):c.1136T>C (p.Phe379Ser)

Gene: UNC45A (unc-45 myosin chaperone A; plus strand). Cytogenetic location: 15q26.1.
Variant type: single nucleotide variant.
Coding change: c.1136T>C on transcript NM_018671.5 (MANE Select); coding-DNA position 1136, T replaced by C.
Protein change: p.Phe379Ser; replaces phenylalanine 379 with serine.
Molecular consequence: missense variant.
Genome position (GRCh38, 1-based): chr15:90,945,000, T>C. VCF-style: chr15-90945000-T-C. GRCh37 (hg19) VCF-style: chr15-91488230-T-C.
Other names: c.1091T>C, p.Phe364Ser (NM_001039675.2, NM_001323621.2); c.1136T>C, p.Phe379Ser (NM_001323619.1); c.701T>C, p.Phe234Ser (NM_001323620.2); short protein forms F379S, F234S, F364S.
Identifiers: ClinVar variation 1477912 (VCV001477912.3), dbSNP rs761302619, ClinGen allele CA7742793.